The following is an entry in ClinVar:

NC_012920.1(MT-ND5):m.14053A>G

Gene: MT-ND5 (mitochondrially encoded NADH dehydrogenase 5; plus strand).
Variant type: single nucleotide variant.
Genome position: chrM-14053-A-G.
Identifiers: ClinVar variation 693658 (VCV000693658.1), dbSNP rs200134839, ClinGen allele CA337099905.

ClinVar aggregate classification (germline): Benign (1 of 4 stars; one submission).

Conditions:
Leigh syndrome (NULS). Also called: Leigh's necrotizing encephalopathy; Leigh's disease; Leigh's syndrome; LEIGH SYNDROME, NUCLEAR; Leigh Syndrome (mtDNA deletion); Leigh Disease. Identifiers: Orphanet 506, MedGen C2931891, MONDO:0009723, OMIM 256000.

Submission:

Wong Mito Lab, Molecular and Human Genetics, Baylor College of Medicine
Classification: Benign for Leigh syndrome. Last evaluated: 2019-10-17. Review status: criteria provided, single submitter. Criteria: Modified ACMG Guidelines (Unpublished). Collection method: clinical testing. Allele origin: germline.
Comment: The NC_012920.1:m.14053A>G (YP_003024036.1:p.Thr573Ala) variant in MTND5 gene is interpretated to be a Benign variant based on the modified ACMG guidelines (unpublished). This variant meets the following evidence codes: BS1, BS2, BP4